The following is an entry in ClinVar:

NM_001379291.1(BRD4):c.1400C>T (p.Ala467Val)

Gene: BRD4 (bromodomain containing 4; minus strand). Cytogenetic location: 19p13.12.
Variant type: single nucleotide variant.
Coding change: c.1400C>T on transcript NM_001379291.1 (MANE Select); coding-DNA position 1400, C replaced by T.
Protein change: p.Ala467Val; replaces alanine 467 with valine.
Molecular consequence: missense variant.
Genome position (GRCh38, 1-based): chr19:15,257,115, G>A on the plus strand (C>T on the coding strand, the complement: BRD4 is on the minus strand). VCF-style: chr19-15257115-G-A. GRCh37 (hg19) VCF-style: chr19-15367926-G-A.
Other names: c.1400C>T, p.Ala467Val (NM_001330384.2, NM_001379292.1, NM_014299.3 and 1 more transcripts); short protein forms A467V.
Identifiers: ClinVar variation 2507194 (VCV002507194.1), dbSNP rs929177624, ClinGen allele CA305802262.

ClinVar aggregate classification (germline): Uncertain significance (1 of 4 stars; one submission).

Submission:

GeneDx
Classification: Uncertain significance. Last evaluated: 2023-01-03. Review status: criteria provided, single submitter. Criteria: GeneDx Variant Classification Process June 2021. Collection method: clinical testing. Allele origin: germline. Affected: yes.
Comment: Not observed at significant frequency in large population cohorts (gnomAD); In silico analysis supports that this missense variant does not alter protein structure/function; Has not been previously published as pathogenic or benign to our knowledge